The following is an entry in ClinVar:

NM_014629.4(ARHGEF10):c.3828A>G (p.Ser1276=)

Gene: ARHGEF10 (Rho guanine nucleotide exchange factor 10; plus strand). Cytogenetic location: 8p23.3.
Variant type: single nucleotide variant.
Coding change: c.3828A>G on transcript NM_014629.4 (MANE Select); coding-DNA position 3828, A replaced by G.
Protein change: p.Ser1276=; no amino-acid change (serine 1276 retained).
Molecular consequence: synonymous variant.
Genome position (GRCh38, 1-based): chr8:1,957,056, A>G. VCF-style: chr8-1957056-A-G. GRCh37 (hg19) VCF-style: chr8-1905222-A-G.
Other names: c.3714A>G, p.Ser1238= (NM_001308152.2); c.3828A>G, p.Ser1276= (NM_001308153.3).
Identifiers: ClinVar variation 768222 (VCV000768222.12), dbSNP rs146227529, ClinGen allele CA4601504.

ClinVar aggregate classification (germline): Benign/Likely benign. Review status: criteria provided, multiple submitters, no conflicts (2 of 4 stars). 4 submissions from 4 submitters: Benign (3); Likely benign (1). Last evaluated 2026-08-21.

Conditions:
ARHGEF10-related disorder. Also called: ARHGEF10-related condition.

Allele frequency attached by ClinVar (database versions not stated): gnomAD exomes 0.00081; ExAC 0.00095; ESP Exome Variant Server 0.00308; 1000 Genomes Project 30x 0.00312; 1000 Genomes Project 0.00319; gnomAD 0.00333 and 0.00360; TOPMed 0.00336.
gnomAD v4.1: 973 of 1,613,868 alleles (0.06%); highest among the groups gnomAD compares: African/African-American, 1.2%; 7 homozygotes.

Submissions (4):

PreventionGenetics, part of Exact Sciences
Classification: Benign for ARHGEF10-related condition. Last evaluated: 2026-08-21. Review status: criteria provided, single submitter. Criteria: ACMG Guidelines, 2015. Collection method: clinical testing. Allele origin: germline.
Comment: This variant is classified as benign based on ACMG/AMP sequence variant interpretation guidelines (Richards et al. 2015 PMID: 25741868, with internal and published modifications).

Labcorp Genetics (formerly Invitae), Labcorp
Classification: Benign. Last evaluated: 2026-01-27. Review status: criteria provided, single submitter. Criteria: Invitae Variant Classification Sherloc (09022015). Collection method: clinical testing. Allele origin: germline.

Blueprint Genetics
Classification: Likely benign. Last evaluated: 2024-09-18. Review status: criteria provided, single submitter. Criteria: ACMG Guidelines, 2015. Collection method: clinical testing. Allele origin: germline.

Breakthrough Genomics
Classification: Benign. Review status: criteria provided, single submitter. Criteria: ACMG Guidelines, 2015. Collection method: not provided. Allele origin: germline. Inheritance: Autosomal dominant inheritance. Affected: yes.